The following is an entry in ClinVar:

ClinVar aggregate classification (germline): Uncertain significance (1 of 4 stars; one submission).

Allele frequency attached by ClinVar (database versions not stated): gnomAD 0.00001; ExAC 0.00004.

Submission:

GeneDx
Classification: Uncertain significance. Last evaluated: 2022-12-28. Review status: criteria provided, single submitter. Criteria: GeneDx Variant Classification Process June 2021. Collection method: clinical testing. Allele origin: germline. Affected: yes.
Comment: Not observed at significant frequency in large population cohorts (gnomAD); In silico analysis supports a deleterious effect on splicing; Has not been previously published as pathogenic or benign to our knowledge

NM_018896.5(CACNA1G):c.3258G>A (p.Pro1086=)

Gene: CACNA1G (calcium voltage-gated channel subunit alpha1 G; plus strand). Cytogenetic location: 17q21.33.
Variant type: single nucleotide variant.
Coding change: c.3258G>A on transcript NM_018896.5 (MANE Select); coding-DNA position 3258, G replaced by A.
Protein change: p.Pro1086=; no amino-acid change (proline 1086 retained).
Molecular consequence: synonymous variant. On other transcripts: non-coding transcript variant (5).
Genome position (GRCh38, 1-based): chr17:50,596,923, G>A. VCF-style: chr17-50596923-G-A. GRCh37 (hg19) VCF-style: chr17-48674284-G-A.
Other names: c.3258G>A, p.Pro1086= (NM_001256324.2, NM_001256325.2, NM_001256326.2 and 16 more transcripts); c.3189G>A, p.Pro1063= (NM_001256332.2, NM_198376.3, NM_198379.3 and 5 more transcripts).
Identifiers: ClinVar variation 2507216 (VCV002507216.1), dbSNP rs770660039, ClinGen allele CA8652674.
Genomic context (GRCh38, chr17:50,596,923, plus strand): 5'-GCGCCGCACCAGCAGCAGCGGGTCGGCAGAGCCTGGGGCGGCCCACGAGATGAAGTCACC[G>A]GTAGGGGGTGCATGTGGGTACCCTGATGGTGGGAGATATTCCAAGGAGGACAGGAGGAAG-3'
Protein context (NP_061496.2, residues 1076-1096): EPGAAHEMKS[Pro1086=]PSARSSPHSP